The following is an entry in ClinVar:

ClinVar aggregate classification (germline): Uncertain significance (1 of 4 stars; one submission).

Conditions:
Combined immunodeficiency due to LRBA deficiency. Also called: Common variable immunodeficiency 8, with autoimmunity. Identifiers: Orphanet 445018, MedGen C3553512, MONDO:0013863, OMIM 614700.

gnomAD v4.1: 2 of 1,597,588 alleles (0.00013%); highest among the groups gnomAD compares: Non-Finnish European, 0.00017%; no homozygotes.

Submission:

Labcorp Genetics (formerly Invitae), Labcorp
Classification: Uncertain significance for Combined immunodeficiency due to LRBA deficiency. Last evaluated: 2022-01-04. Review status: criteria provided, single submitter. Criteria: Invitae Variant Classification Sherloc (09022015). Collection method: clinical testing. Allele origin: germline.
Comment: Algorithms developed to predict the effect of missense changes on protein structure and function output the following: SIFT: "Tolerated"; PolyPhen-2: "Benign"; Align-GVGD: "Class C0". The aspartic acid amino acid residue is found in multiple mammalian species, which suggests that this missense change does not adversely affect protein function. This variant has not been reported in the literature in individuals affected with LRBA-related conditions. This variant is not present in population databases (gnomAD no frequency). This sequence change replaces glycine, which is neutral and non-polar, with aspartic acid, which is acidic and polar, at codon 1567 of the LRBA protein (p.Gly1567Asp). In summary, the available evidence is currently insufficient to determine the role of this variant in disease. Therefore, it has been classified as a Variant of Uncertain Significance.

NM_001364905.1(LRBA):c.4700G>A (p.Gly1567Asp)

Gene: LRBA (LPS responsive beige-like anchor protein; minus strand). Cytogenetic location: 4q31.3.
Variant type: single nucleotide variant.
Coding change: c.4700G>A on transcript NM_001364905.1 (MANE Select); coding-DNA position 4700, G replaced by A.
Protein change: p.Gly1567Asp; replaces glycine 1567 with aspartic acid.
Molecular consequence: missense variant.
Genome position (GRCh38, 1-based): chr4:150,831,846, C>T on the plus strand (G>A on the coding strand, the complement: LRBA is on the minus strand). VCF-style: chr4-150831846-C-T. GRCh37 (hg19) VCF-style: chr4-151752998-C-T.
Other names: c.4700G>A, p.Gly1567Asp (NM_001199282.3, NM_001367550.1, NM_006726.5); short protein forms G1567D.
Identifiers: ClinVar variation 2074761 (VCV002074761.4), dbSNP rs748897854, ClinGen allele CA358446407.